The following is an entry in ClinVar:

NM_003055.3(SLC18A3):c.1504C>G (p.Arg502Gly)

Genes: CHAT (choline O-acetyltransferase; plus strand), SLC18A3 (solute carrier family 18 member A3; plus strand). Cytogenetic location: 10q11.23.
Variant type: single nucleotide variant.
Coding change: c.1504C>G on transcript NM_003055.3 (MANE Select); coding-DNA position 1504, C replaced by G.
Protein change: p.Arg502Gly; replaces arginine 502 with glycine.
Molecular consequence: missense variant. On other transcripts: intron variant (1).
Genome position (GRCh38, 1-based): chr10:49,612,244, C>G. VCF-style: chr10-49612244-C-G. GRCh37 (hg19) VCF-style: chr10-50820290-C-G.
Other names: c.-69+3045C>G (NM_020984.4); short protein forms R502G.
Identifiers: ClinVar variation 1388406 (VCV001388406.6), dbSNP rs769518248, ClinGen allele CA5496985.

ClinVar aggregate classification (germline): Uncertain significance (1 of 4 stars; one submission).

gnomAD v4.1: 3 of 1,609,844 alleles (0.00019%); highest among the groups gnomAD compares: Admixed American, 0.005%; no homozygotes.

Submission:

Labcorp Genetics (formerly Invitae), Labcorp
Classification: Uncertain significance. Last evaluated: 2021-12-03. Review status: criteria provided, single submitter. Criteria: Invitae Variant Classification Sherloc (09022015). Collection method: clinical testing. Allele origin: germline.
Comment: This variant is present in population databases (rs769518248, gnomAD 0.006%). This variant has not been reported in the literature in individuals affected with SLC18A3-related conditions. Algorithms developed to predict the effect of missense changes on protein structure and function are either unavailable or do not agree on the potential impact of this missense change (SIFT: "Deleterious"; PolyPhen-2: "Benign"; Align-GVGD: "Class C15"). In summary, the available evidence is currently insufficient to determine the role of this variant in disease. Therefore, it has been classified as a Variant of Uncertain Significance. This sequence change replaces arginine, which is basic and polar, with glycine, which is neutral and non-polar, at codon 502 of the SLC18A3 protein (p.Arg502Gly).